The following is an entry in ClinVar:

NM_001365999.1(SZT2):c.6291-6T>G

Gene: SZT2 (SZT2 subunit of KICSTOR complex; plus strand). Cytogenetic location: 1p34.2.
Variant type: single nucleotide variant.
Coding change: c.6291-6T>G on transcript NM_001365999.1 (MANE Select); 6 bases into the intron before coding-DNA position 6291, T replaced by G.
Molecular consequence: intron variant.
Genome position (GRCh38, 1-based): chr1:43,437,589, T>G. VCF-style: chr1-43437589-T-G. GRCh37 (hg19) VCF-style: chr1-43903260-T-G.
Other names: c.6120-6T>G (NM_015284.4).
Identifiers: ClinVar variation 840824 (VCV000840824.9), dbSNP rs1654595907, ClinGen allele CA916082019.

ClinVar aggregate classification (germline): Uncertain significance (1 of 4 stars; one submission).

Submission:

Labcorp Genetics (formerly Invitae), Labcorp
Classification: Uncertain significance. Last evaluated: 2019-02-02. Review status: criteria provided, single submitter. Criteria: Invitae Variant Classification Sherloc (09022015). Collection method: clinical testing. Allele origin: germline.
Comment: This sequence change falls in intron 43 of the SZT2 gene. It does not directly change the encoded amino acid sequence of the SZT2 protein. This variant is not present in population databases (ExAC no frequency). This variant has not been reported in the literature in individuals with SZT2-related conditions. Algorithms developed to predict the effect of sequence changes on RNA splicing suggest that this variant may disrupt the consensus splice site, but this prediction has not been confirmed by published transcriptional studies. In summary, the available evidence is currently insufficient to determine the role of this variant in disease. Therefore, it has been classified as a Variant of Uncertain Significance.